The following is an entry in ClinVar:

NM_002435.3(MPI):c.127G>C (p.Asp43His)

Gene: MPI (mannose phosphate isomerase; plus strand). Cytogenetic location: 15q24.1.
Variant type: single nucleotide variant.
Coding change: c.127G>C on transcript NM_002435.3 (MANE Select); coding-DNA position 127, G replaced by C.
Protein change: p.Asp43His; replaces aspartic acid 43 with histidine.
Molecular consequence: missense variant. On other transcripts: intron variant (1).
Genome position (GRCh38, 1-based): chr15:74,890,637, G>C. VCF-style: chr15-74890637-G-C. GRCh37 (hg19) VCF-style: chr15-75182978-G-C.
Other names: c.127G>C, p.Asp43His (NM_001289155.2, NM_001289157.2); c.67G>C, p.Asp23His (NM_001330372.2); c.-7+548G>C (NM_001289156.2); short protein forms D23H, D43H.
Identifiers: ClinVar variation 3342453 (VCV003342453.1).

ClinVar aggregate classification (germline): Uncertain significance (1 of 4 stars; one submission).

gnomAD v4.1: 7 of 1,613,906 alleles (0.00043%); highest among the groups gnomAD compares: Admixed American, 0.0033%; no homozygotes.

Submission:

GeneDx
Classification: Uncertain significance. Last evaluated: 2024-02-06. Review status: criteria provided, single submitter. Criteria: GeneDx Variant Classification Process June 2021. Collection method: clinical testing. Allele origin: germline. Affected: yes.
Comment: Not observed at significant frequency in large population cohorts (gnomAD); In silico analysis supports that this missense variant has a deleterious effect on protein structure/function; Has not been previously published as pathogenic or benign to our knowledge